The following is an entry in ClinVar:

NM_003383.3(VLDLR):c.-708C>G

Genes: VLDLR (very low density lipoprotein receptor; plus strand), VLDLR-AS1 (VLDLR antisense RNA 1; minus strand), LOC121740738 (Sharpr-MPRA regulatory region 6053; plus strand). Cytogenetic location: 9p24.2.
Variant type: single nucleotide variant.
Coding change: c.-708C>G on transcript NM_003383.3; 708 bases upstream of the start codon, C replaced by G.
Genome position (GRCh38, 1-based): chr9:2,621,482, C>G. VCF-style: chr9-2621482-C-G. GRCh37 (hg19) VCF-style: chr9-2621482-C-G.
Identifiers: ClinVar variation 667580 (VCV000667580.4), dbSNP rs7852409, ClinGen allele CA13023524.

ClinVar aggregate classification (germline): Benign. Review status: criteria provided, multiple submitters, no conflicts (2 of 4 stars). 2 submissions from 2 submitters: Benign (2). Last evaluated 2018-06-19.

Allele frequency attached by ClinVar (database versions not stated): 1000 Genomes Project 0.68470; TOPMed 0.66453; 1000 Genomes Project 30x 0.66896; gnomAD 0.67555; gnomAD exomes 0.75309.

Submissions (2):

GeneDx
Classification: Benign. Last evaluated: 2018-06-19. Review status: criteria provided, single submitter. Criteria: GeneDx Variant Classification (06012015). Collection method: clinical testing. Allele origin: germline. Affected: yes.
Comment: This variant is considered likely benign or benign based on one or more of the following criteria: it is a conservative change, it occurs at a poorly conserved position in the protein, it is predicted to be benign by multiple in silico algorithms, and/or has population frequency not consistent with disease.

Breakthrough Genomics
Classification: Benign. Review status: criteria provided, single submitter. Criteria: ACMG Guidelines, 2015. Collection method: not provided. Allele origin: germline. Inheritance: Autosomal recessive inheritance. Affected: yes.